The following is an entry in ClinVar:

NM_003640.5(ELP1):c.361C>T (p.Gln121Ter)

Gene: ELP1 (elongator acetyltransferase complex subunit 1; minus strand). Cytogenetic location: 9q31.3.
Variant type: single nucleotide variant.
Coding change: c.361C>T on transcript NM_003640.5 (MANE Select); coding-DNA position 361, C replaced by T.
Protein change: p.Gln121Ter; replaces glutamine 121 with a stop codon.
Molecular consequence: nonsense. On other transcripts: 5 prime UTR variant (1).
Genome position (GRCh38, 1-based): chr9:108,927,396, G>A on the plus strand (C>T on the coding strand, the complement: ELP1 is on the minus strand). VCF-style: chr9-108927396-G-A. GRCh37 (hg19) VCF-style: chr9-111689676-G-A.
Other names: c.361C>T (NM_003640.4); c.19C>T, p.Gln7Ter (NM_001318360.2); c.-499C>T (NM_001330749.2); short protein forms Q121*, Q7*.
Identifiers: ClinVar variation 2705228 (VCV002705228.4), dbSNP rs1829854608, ClinGen allele CA374391812.
Genomic context (GRCh38, chr9:108,927,396, plus strand): 5'-TTAAAAAAGCCAGTGAGGCACCAGTAACAAGCTTACCTGTGGCAAGAAGCACCAGCTCTT[G>A]GTCAGGACTCCAACTCATAACAGAGATACCACTGGCTACACTCCCAACACACTCCAGCTG-3'

ClinVar aggregate classification (germline): Pathogenic/Likely pathogenic. Review status: criteria provided, multiple submitters, no conflicts (2 of 4 stars). 2 submissions from 2 submitters: Pathogenic (1); Likely pathogenic (1). Last evaluated 2025-04-09.

Conditions:
Familial dysautonomia. Also called: HSAN III; FD. Identifiers: Orphanet 1764, MedGen C0013364, MONDO:0009131, OMIM 223900. Disease mechanism: loss of function.

gnomAD v4.1: 1 of 1,613,664 alleles (0.000062%); no homozygotes.

Submissions (2):

Labcorp Genetics (formerly Invitae), Labcorp
Classification: Pathogenic. Last evaluated: 2025-04-09. Review status: criteria provided, single submitter. Criteria: Invitae Variant Classification Sherloc (09022015). Collection method: clinical testing. Allele origin: germline.
Comment: This sequence change creates a premature translational stop signal (p.Gln121*) in the ELP1 gene. It is expected to result in an absent or disrupted protein product. Loss-of-function variants in ELP1 are known to be pathogenic (PMID: 18303054, 24173031). This variant is not present in population databases (gnomAD no frequency). This variant has not been reported in the literature in individuals affected with ELP1-related conditions. ClinVar contains an entry for this variant (Variation ID: 2705228). Algorithms developed to predict the effect of sequence changes on RNA splicing suggest that this variant may disrupt the consensus splice site. For these reasons, this variant has been classified as Pathogenic.

Natera, Inc.
Classification: Likely pathogenic for Familial dysautonomia. Last evaluated: 2024-12-05. Review status: criteria provided, single submitter. Criteria: Natera Variant Classification Schema (03/2026). Collection method: clinical testing. Allele origin: germline.
Comment: The c.361C>T variant in ELP1 is a nonsense variant predicted to introduce a stop codon at amino acid 121. This variant is expected to result in nonsense mediated decay, truncation, or a dysfunctional protein product. This variant is rare in the general population with a frequency below the threshold expected for the associated phenotype(s). Given the available evidence, this variant is classified as Likely Pathogenic.

Literature cited by the submitters: PubMed 18303054 (cited by Labcorp Genetics (formerly Invitae), Labcorp); PubMed 24173031 (cited by Labcorp Genetics (formerly Invitae), Labcorp).